The following is an entry in ClinVar:

ClinVar aggregate classification (germline): Uncertain significance (1 of 4 stars; one submission).

Allele frequency attached by ClinVar (database versions not stated): gnomAD exomes below 0.00001 and 0.00001; TOPMed below 0.00001; gnomAD 0.00001.

Submission:

GeneDx
Classification: Uncertain significance. Last evaluated: 2022-01-26. Review status: criteria provided, single submitter. Criteria: GeneDx Variant Classification Process June 2021. Collection method: clinical testing. Allele origin: germline. Affected: yes.
Comment: Not observed at significant frequency in large population cohorts (gnomAD); In silico analysis supports that this missense variant does not alter protein structure/function; In silico analysis, which includes splice predictors and evolutionary conservation, suggests this variant may impact gene splicing. In the absence of RNA/functional studies, the actual effect of this sequence change is unknown.; Has not been previously published as pathogenic or benign to our knowledge

NM_021971.4(GMPPB):c.295G>C (p.Glu99Gln)

Gene: GMPPB (GDP-mannose pyrophosphorylase B; minus strand). Cytogenetic location: 3p21.31.
Variant type: single nucleotide variant.
Coding change: c.295G>C on transcript NM_021971.4 (MANE Select); coding-DNA position 295, G replaced by C.
Protein change: p.Glu99Gln; replaces glutamic acid 99 with glutamine.
Molecular consequence: missense variant.
Genome position (GRCh38, 1-based): chr3:49,723,079, C>G on the plus strand (G>C on the coding strand, the complement: GMPPB is on the minus strand). VCF-style: chr3-49723079-C-G. GRCh37 (hg19) VCF-style: chr3-49760512-C-G.
Other names: c.295G>C, p.Glu99Gln (NM_013334.4); short protein forms E99Q.
Identifiers: ClinVar variation 1699657 (VCV001699657.2), dbSNP rs1283341770, ClinGen allele CA352829857.